The following is an entry in ClinVar:

ClinVar aggregate classification (germline): Uncertain significance (1 of 4 stars; one submission).

Conditions:
Brown-Vialetto-van Laere syndrome 1. Also called: BROWN-VIALETTO-VAN LAERE SYNDROME 1, MILD; PONTOBULBAR PALSY WITH DEAFNESS; BULBAR PALSY, PROGRESSIVE, WITH SENSORINEURAL DEAFNESS. Identifiers: Orphanet 572550, Orphanet 97229, MedGen C0796274, MONDO:0024537, OMIM 211530.

Allele frequency attached by ClinVar (database versions not stated): ExAC 0.00002; TOPMed 0.00002; gnomAD 0.00004; ESP Exome Variant Server 0.00008; gnomAD exomes 0.00001.
gnomAD v4.1: 22 of 1,614,080 alleles (0.0014%); highest among the groups gnomAD compares: African/African-American, 0.0093%; no homozygotes.

Submission:

Labcorp Genetics (formerly Invitae), Labcorp
Classification: Uncertain significance for Brown-Vialetto-van Laere syndrome 1. Last evaluated: 2021-08-26. Review status: criteria provided, single submitter. Criteria: Invitae Variant Classification Sherloc (09022015). Collection method: clinical testing. Allele origin: germline.
Comment: This sequence change replaces valine with methionine at codon 368 of the SLC52A3 protein (p.Val368Met). The valine residue is weakly conserved and there is a small physicochemical difference between valine and methionine. This variant is present in population databases (rs148181353, ExAC 0.02%). This variant has not been reported in the literature in individuals affected with SLC52A3-related conditions. Algorithms developed to predict the effect of missense changes on protein structure and function output the following: SIFT: "Tolerated"; PolyPhen-2: "Benign"; Align-GVGD: "Class C0". The methionine amino acid residue is found in multiple mammalian species, which suggests that this missense change does not adversely affect protein function. In summary, the available evidence is currently insufficient to determine the role of this variant in disease. Therefore, it has been classified as a Variant of Uncertain Significance.

NM_033409.4(SLC52A3):c.1102G>A (p.Val368Met)

Gene: SLC52A3 (solute carrier family 52 member 3; minus strand). Cytogenetic location: 20p13.
Variant type: single nucleotide variant.
Coding change: c.1102G>A on transcript NM_033409.4 (MANE Select); coding-DNA position 1102, G replaced by A.
Protein change: p.Val368Met; replaces valine 368 with methionine.
Molecular consequence: missense variant.
Genome position (GRCh38, 1-based): chr20:761,796, C>T on the plus strand (G>A on the coding strand, the complement: SLC52A3 is on the minus strand). VCF-style: chr20-761796-C-T. GRCh37 (hg19) VCF-style: chr20-742440-C-T.
Other names: c.1102G>A, p.Val368Met (NM_001370085.1, NM_001370086.1); short protein forms V368M.
Identifiers: ClinVar variation 571043 (VCV000571043.6), dbSNP rs148181353, ClinGen allele CA9724596.